The following is an entry in ClinVar:

NM_000719.7(CACNA1C):c.615G>A (p.Val205=)

Gene: CACNA1C (calcium voltage-gated channel subunit alpha1 C; plus strand). Cytogenetic location: 12p13.33.
Variant type: single nucleotide variant.
Coding change: c.615G>A on transcript NM_000719.7 (MANE Select); coding-DNA position 615, G replaced by A.
Protein change: p.Val205=; no amino-acid change (valine 205 retained).
Molecular consequence: synonymous variant.
Genome position (GRCh38, 1-based): chr12:2,449,113, G>A. VCF-style: chr12-2449113-G-A. GRCh37 (hg19) VCF-style: chr12-2558279-G-A.
Other names: c.615G>A, p.Val205= (NM_001129827.2, NM_001129829.2, NM_001129830.3 and 19 more transcripts).
Identifiers: ClinVar variation 672193 (VCV000672193.9), dbSNP rs747320984, ClinGen allele CA477883277.

ClinVar aggregate classification (germline): Likely benign. Review status: criteria provided, multiple submitters, no conflicts (2 of 4 stars). 2 submissions from 2 submitters: Likely benign (2). Last evaluated 2026-01-02.

Conditions:
Long QT syndrome (LQTS). Identifiers: MedGen C0023976, MeSH D008133, MONDO:0002442. Disease mechanism: loss of function. Inheritance: Various modes of inheritance.

gnomAD v4.1: 6 of 1,542,484 alleles (0.00039%); highest among the groups gnomAD compares: Non-Finnish European, 0.00044%; no homozygotes.

Submissions (2):

Labcorp Genetics (formerly Invitae), Labcorp
Classification: Likely benign for Long QT syndrome. Last evaluated: 2026-01-02. Review status: criteria provided, single submitter. Criteria: Invitae Variant Classification Sherloc (09022015). Collection method: clinical testing. Allele origin: germline.

GeneDx
Classification: Likely benign. Last evaluated: 2018-06-18. Review status: criteria provided, single submitter. Criteria: GeneDx Variant Classification (06012015). Collection method: clinical testing. Allele origin: germline. Affected: yes.
Comment: This variant is considered likely benign or benign based on one or more of the following criteria: it is a conservative change, it occurs at a poorly conserved position in the protein, it is predicted to be benign by multiple in silico algorithms, and/or has population frequency not consistent with disease.